The following is an entry in ClinVar:

NM_001035.3(RYR2):c.9690A>G (p.Gln3230=)

Gene: RYR2 (ryanodine receptor 2; plus strand). Cytogenetic location: 1q43.
Variant type: single nucleotide variant.
Coding change: c.9690A>G on transcript NM_001035.3 (MANE Select); coding-DNA position 9690, A replaced by G.
Protein change: p.Gln3230=; no amino-acid change (glutamine 3230 retained).
Molecular consequence: synonymous variant.
Genome position (GRCh38, 1-based): chr1:237,707,058, A>G. VCF-style: chr1-237707058-A-G. GRCh37 (hg19) VCF-style: chr1-237870358-A-G.
Identifiers: ClinVar variation 3070278 (VCV003070278.1), dbSNP rs2547401954, ClinGen allele CA424031691.

ClinVar aggregate classification (germline): Uncertain significance (1 of 4 stars; one submission).

Conditions:
Catecholaminergic polymorphic ventricular tachycardia (CVPT). Also called: Catecholamine-induced polymorphic ventricular tachycardia. Identifiers: Orphanet 3286, MedGen C5574922, MONDO:0017990.

Submission:

All of Us Research Program, National Institutes of Health
Classification: Uncertain significance for Catecholaminergic polymorphic ventricular tachycardia. Last evaluated: 2023-04-03. Review status: criteria provided, single submitter. Criteria: ACMG Guidelines, 2015. Collection method: clinical testing. Allele origin: germline. Inheritance: Autosomal dominant inheritance. Observed: 1 variant allele, 1 heterozygote.
Comment: This variant is located in the RYR2 protein. To our knowledge, functional studies have not been reported for this variant. This variant has not been reported in individuals affected with RYR2-related disorders in the literature. This variant has not been identified in the general population by the Genome Aggregation Database (gnomAD). The available evidence is insufficient to determine the role of this variant in disease conclusively. Therefore, this variant is classified as a Variant of Uncertain Significance.

This study involves interpretation of variants in research participants for the purpose of population health screening. Participant phenotype was not available at the time of variant classification. Additional details can be found in publication PMID: 35346344, PMCID: PMC8962531